The following is an entry in ClinVar:

NM_183235.3(RAB27A):c.3G>A (p.Met1Ile)

Gene: RAB27A (RAB27A, member RAS oncogene family; minus strand). Cytogenetic location: 15q21.3.
Variant type: single nucleotide variant.
Coding change: c.3G>A on transcript NM_183235.3 (MANE Select); coding-DNA position 3, G replaced by A.
Protein change: p.Met1Ile; changes the start codon (methionine 1).
Molecular consequence: missense variant, initiator codon variant.
Genome position (GRCh38, 1-based): chr15:55,234,932, C>T on the plus strand (G>A on the coding strand, the complement: RAB27A is on the minus strand). VCF-style: chr15-55234932-C-T. GRCh37 (hg19) VCF-style: chr15-55527130-C-T.
Other names: c.3G>A, p.Met1Ile (NM_004580.5, NM_183234.3, NM_183236.3); short protein forms M1I.
Identifiers: ClinVar variation 3775343 (VCV003775343.1).

ClinVar aggregate classification (germline): Uncertain significance (1 of 4 stars; one submission).

Conditions:
Griscelli syndrome type 2 (GS2). Also called: PAID SYNDROME; PARTIAL ALBINISM AND IMMUNODEFICIENCY SYNDROME; GRISCELLI SYNDROME WITH HEMOPHAGOCYTIC SYNDROME. Identifiers: Orphanet 381, Orphanet 79477, MedGen C1868679, MONDO:0011872, OMIM 607624.

Submission:

3billion
Classification: Uncertain significance for Griscelli syndrome type 2. Last evaluated: 2023-12-07. Review status: criteria provided, single submitter. Criteria: ACMG Guidelines, 2015. Collection method: clinical testing. Allele origin: germline. Affected: yes.
Comment: The variant is not observed in the gnomAD v2.1.1 dataset. Predicted Consequence/Location: Start-lost: reinitiation of translation may occur at a downstream alternate start codon but still result in a loss or disruption of normal protein function as there have been pathogenic variants reported upstream of the alternate start codon. Therefore, this variant is classified as VUS according to the recommendation of ACMG/AMP guideline.